The following is an entry in ClinVar:

ClinVar aggregate classification (germline): Likely benign. Review status: criteria provided, multiple submitters, no conflicts (2 of 4 stars). 3 submissions from 3 submitters: Likely benign (2). 1 of the submissions does not count toward it. Last evaluated 2026-01-12.

Conditions:
NAXD-related disorder. Also called: NAXD-related condition.

Allele frequency attached by ClinVar (database versions not stated): ExAC 0.00013; gnomAD exomes 0.00014; ESP Exome Variant Server 0.00023.
gnomAD v4.1: 197 of 1,614,004 alleles (0.012%); highest among the groups gnomAD compares: Non-Finnish European, 0.012%; no homozygotes.

Submissions (3):

Labcorp Genetics (formerly Invitae), Labcorp
Classification: Likely benign. Last evaluated: 2026-01-12. Review status: criteria provided, single submitter. Criteria: Invitae Variant Classification Sherloc (09022015). Collection method: clinical testing. Allele origin: germline.

CeGaT Center for Human Genetics Tuebingen
Classification: Likely benign. Last evaluated: 2025-06-01. Review status: criteria provided, single submitter. Criteria: CeGaT Center For Human Genetics Tuebingen Variant Classification Criteria Version 2. Collection method: clinical testing. Allele origin: germline. Affected: yes. Observed: 3 variant alleles.
Comment: NAXD: BP4, BP7

PreventionGenetics, part of Exact Sciences
Classification: Likely benign for NAXD-related condition. Last evaluated: 2019-06-11. Review status: no assertion criteria provided. Collection method: clinical testing. Allele origin: germline. Not counted in ClinVar's aggregate classification.
Comment: This variant is classified as likely benign based on ACMG/AMP sequence variant interpretation guidelines (Richards et al. 2015 PMID: 25741868, with internal and published modifications).

NM_001242882.2(NAXD):c.522G>A (p.Pro174=)

Gene: NAXD (NAD(P)HX dehydratase; plus strand). Cytogenetic location: 13q34.
Variant type: single nucleotide variant.
Coding change: c.522G>A on transcript NM_001242882.2 (MANE Select); coding-DNA position 522, G replaced by A.
Protein change: p.Pro174=; no amino-acid change (proline 174 retained).
Molecular consequence: synonymous variant. On other transcripts: non-coding transcript variant (2).
Genome position (GRCh38, 1-based): chr13:110,634,701, G>A. VCF-style: chr13-110634701-G-A. GRCh37 (hg19) VCF-style: chr13-111287048-G-A.
Other names: c.576G>A, p.Pro192= (NM_001242881.2, NM_018210.4); c.246G>A, p.Pro82= (NM_001242883.2); c.576G>A (NM_018210.3).
Identifiers: ClinVar variation 1655715 (VCV001655715.34), dbSNP rs142489769, ClinGen allele CA7051255.